The following is an entry in ClinVar:

ClinVar aggregate classification (germline): Uncertain significance (1 of 4 stars; one submission).

Conditions:
Hereditary cancer-predisposing syndrome. Also called: Neoplastic Syndromes, Hereditary; Tumor predisposition; Hereditary neoplastic syndrome; Hereditary Cancer Syndrome. Identifiers: Orphanet 140162, MedGen C0027672, MeSH D009386, MONDO:0015356.

Submission:

Ambry Genetics
Classification: Uncertain significance for Hereditary cancer-predisposing syndrome. Last evaluated: 2026-07-07. Review status: criteria provided, single submitter. Criteria: Ambry Variant Classification Scheme 2023. Collection method: clinical testing. Allele origin: germline.
Comment: The p.N420S variant (also known as c.1259A>G), located in coding exon 9 of the BMPR1A gene, results from an A to G substitution at nucleotide position 1259. The asparagine at codon 420 is replaced by serine, an amino acid with highly similar properties. This amino acid position is conserved. In addition, this alteration is predicted to be tolerated by in silico analysis. Based on the available evidence, the clinical significance of this variant remains unclear.

NM_004329.3(BMPR1A):c.1259A>G (p.Asn420Ser)

Gene: BMPR1A (bone morphogenetic protein receptor type 1A; plus strand). Cytogenetic location: 10q23.2.
Variant type: single nucleotide variant.
Coding change: c.1259A>G on transcript NM_004329.3 (MANE Select); coding-DNA position 1259, A replaced by G.
Protein change: p.Asn420Ser; replaces asparagine 420 with serine.
Molecular consequence: missense variant. On other transcripts: non-coding transcript variant (3).
Genome position (GRCh38, 1-based): chr10:86,921,612, A>G. VCF-style: chr10-86921612-A-G. GRCh37 (hg19) VCF-style: chr10-88681369-A-G.
Other names: c.1259A>G, p.Asn420Ser (NM_001406569.1, NM_001406570.1, NM_001406571.1 and 19 more transcripts); c.1334A>G, p.Asn445Ser (NM_001406559.1); c.1307A>G, p.Asn436Ser (NM_001406560.1); c.1253A>G, p.Asn418Ser (NM_001406583.1); c.1175A>G, p.Asn392Ser (NM_001406584.1, NM_001406585.1, NM_001406586.1 and 2 more transcripts); c.917A>G, p.Asn306Ser (NM_001406589.1); short protein forms N392S, N436S, N418S, N306S, N420S, N445S.
Identifiers: ClinVar variation 5033001 (VCV005033001.1).